The following is an entry in ClinVar:

NM_001267550.2(TTN):c.92222C>T (p.Ala30741Val)

Genes: TTN (titin; minus strand), TTN-AS1 (TTN antisense RNA 1; plus strand). Cytogenetic location: 2q31.2.
Variant type: single nucleotide variant.
Coding change: c.92222C>T on transcript NM_001267550.2 (MANE Select); coding-DNA position 92222, C replaced by T.
Protein change: p.Ala30741Val; replaces alanine 30741 with valine.
Molecular consequence: missense variant.
Genome position (GRCh38, 1-based): chr2:178,549,404, G>A on the plus strand (C>T on the coding strand, the complement: TTN is on the minus strand). VCF-style: chr2-178549404-G-A. GRCh37 (hg19) VCF-style: chr2-179414131-G-A.
Other names: c.87299C>T, p.Ala29100Val (NM_001256850.1); c.65027C>T, p.Ala21676Val (NM_003319.4); c.84518C>T, p.Ala28173Val (NM_133378.4); c.65402C>T, p.Ala21801Val (NM_133432.3); c.65603C>T, p.Ala21868Val (NM_133437.4); short protein forms A30741V, A21676V, A21801V, A21868V, A28173V, A29100V.
Identifiers: ClinVar variation 404725 (VCV000404725.30), dbSNP rs202090888, ClinGen allele CA1987469.

ClinVar aggregate classification (germline): Uncertain significance. Review status: criteria provided, multiple submitters, no conflicts (2 of 4 stars). 10 submissions from 5 submitters: Uncertain significance (10). Last evaluated 2023-12-01.

Conditions:
Myopathy, myofibrillar, 9, with early respiratory failure (MFM9). Also called: Myopathy, distal, with early respiratory failure, autosomal dominant; Hereditary myopathy with early respiratory failure; MYOPATHY, PROXIMAL, WITH EARLY RESPIRATORY MUSCLE INVOLVEMENT; EDSTROM MYOPATHY. Identifiers: Orphanet 178464, Orphanet 34521, MedGen C1863599, MONDO:0011362, OMIM 603689.
Autosomal recessive limb-girdle muscular dystrophy type 2J (LGMDR10). Also called: Limb-girdle muscular dystrophy, type 2J; MUSCULAR DYSTROPHY, LIMB-GIRDLE, AUTOSOMAL RECESSIVE 10. Identifiers: Orphanet 140922, MedGen C1837342, MONDO:0012127, OMIM 608807.
Tibial muscular dystrophy (TMD). Also called: Tibial muscular dystrophy, tardive; Udd Distal Myopathy – Tibial Muscular Dystrophy; UDD MYOPATHY. Identifiers: Orphanet 609, MedGen C1838244, MONDO:0010870, OMIM 600334.
Dilated cardiomyopathy 1G (CMD1G). Identifiers: Orphanet 154, MedGen C1858763, MONDO:0011400, OMIM 604145.
Hypertrophic cardiomyopathy 9. Also called: Familial hypertrophic cardiomyopathy 9. Identifiers: MedGen C1861065, MONDO:0013412, OMIM 613765.
Early-onset myopathy with fatal cardiomyopathy (CMYO5). Also called: CONGENITAL MYOPATHY 5 WITH CARDIOMYOPATHY; Salih Myopathy. Identifiers: Orphanet 289377, MedGen C2673677, MONDO:0012714, OMIM 611705. Disease mechanism: loss of function.

Allele frequency attached by ClinVar (database versions not stated): ExAC 0.00002; gnomAD exomes 0.00003 and 0.00005; gnomAD 0.00004; TOPMed 0.00004; ESP Exome Variant Server 0.00016.
gnomAD v4.1: 82 of 1,613,562 alleles (0.0051%); highest among the groups gnomAD compares: Middle Eastern, 0.016%; no homozygotes.

Submissions (10):

CeGaT Center for Human Genetics Tuebingen
Classification: Uncertain significance. Last evaluated: 2023-12-01. Review status: criteria provided, single submitter. Criteria: CeGaT Center For Human Genetics Tuebingen Variant Classification Criteria Version 2. Collection method: clinical testing. Allele origin: germline. Affected: yes. Observed: 1 variant allele.
Comment: TTN: PM2, BP4

Baylor Genetics
Classification: Uncertain significance for Myopathy, myofibrillar, 9, with early respiratory failure. Last evaluated: 2022-11-17. Review status: criteria provided, single submitter. Criteria: ACMG Guidelines, 2015. Collection method: clinical testing. Allele origin: unknown.

Baylor Genetics
Classification: Uncertain significance for Hypertrophic cardiomyopathy 9. Last evaluated: 2022-11-17. Review status: criteria provided, single submitter. Criteria: ACMG Guidelines, 2015. Collection method: clinical testing. Allele origin: unknown.

Baylor Genetics
Classification: Uncertain significance for Dilated cardiomyopathy 1G. Last evaluated: 2022-11-17. Review status: criteria provided, single submitter. Criteria: ACMG Guidelines, 2015. Collection method: clinical testing. Allele origin: unknown.

Baylor Genetics
Classification: Uncertain significance for Early-onset myopathy with fatal cardiomyopathy. Last evaluated: 2022-11-17. Review status: criteria provided, single submitter. Criteria: ACMG Guidelines, 2015. Collection method: clinical testing. Allele origin: unknown.

Baylor Genetics
Classification: Uncertain significance for Tibial muscular dystrophy. Last evaluated: 2022-11-17. Review status: criteria provided, single submitter. Criteria: ACMG Guidelines, 2015. Collection method: clinical testing. Allele origin: unknown.

Baylor Genetics
Classification: Uncertain significance for Autosomal recessive limb-girdle muscular dystrophy type 2J. Last evaluated: 2022-11-17. Review status: criteria provided, single submitter. Criteria: ACMG Guidelines, 2015. Collection method: clinical testing. Allele origin: unknown.

Fulgent Genetics
Classification: Uncertain significance for Tibial muscular dystrophy; Myopathy, myofibrillar, 9, with early respiratory failure; Dilated cardiomyopathy 1G; Autosomal recessive limb-girdle muscular dystrophy type 2J; Early-onset myopathy with fatal cardiomyopathy; Hypertrophic cardiomyopathy 9. Last evaluated: 2021-11-21. Review status: criteria provided, single submitter. Criteria: ACMG Guidelines, 2015. Collection method: clinical testing. Allele origin: unknown.

Revvity Omics, Revvity
Classification: Uncertain significance. Last evaluated: 2020-06-30. Review status: criteria provided, single submitter. Criteria: ACMG Guidelines, 2015. Collection method: clinical testing. Allele origin: germline.

Labcorp Genetics (formerly Invitae), Labcorp
Classification: Uncertain significance for Dilated cardiomyopathy 1G; Autosomal recessive limb-girdle muscular dystrophy type 2J. Last evaluated: 2016-12-24. Review status: criteria provided, single submitter. Criteria: Invitae Variant Classification Sherloc (09022015). Collection method: clinical testing. Allele origin: germline.